The following is an entry in ClinVar:

ClinVar aggregate classification (germline): Conflicting classifications of pathogenicity. Review status: criteria provided, conflicting classifications (1 of 4 stars). 2 submissions from 2 submitters: Uncertain significance (1); Likely benign (1). Last evaluated 2026-04-12.

Conditions:
Inborn genetic diseases. Identifiers: MedGen C0950123, MeSH D030342.

Allele frequency attached by ClinVar (database versions not stated): gnomAD exomes below 0.00001; ExAC 0.00002.
gnomAD v4.1: 6 of 1,612,848 alleles (0.00037%); highest among the groups gnomAD compares: South Asian, 0.0055%; no homozygotes.

Submissions (2):

Ambry Genetics
Classification: Likely benign for Inborn genetic diseases. Last evaluated: 2026-04-12. Review status: criteria provided, single submitter. Criteria: Ambry Variant Classification Scheme 2023. Collection method: clinical testing. Allele origin: germline.

Labcorp Genetics (formerly Invitae), Labcorp
Classification: Uncertain significance. Last evaluated: 2023-05-29. Review status: criteria provided, single submitter. Criteria: Invitae Variant Classification Sherloc (09022015). Collection method: clinical testing. Allele origin: germline.
Comment: In summary, the available evidence is currently insufficient to determine the role of this variant in disease. Therefore, it has been classified as a Variant of Uncertain Significance. This sequence change replaces serine, which is neutral and polar, with cysteine, which is neutral and slightly polar, at codon 503 of the ASXL1 protein (p.Ser503Cys). This variant is present in population databases (rs773003506, gnomAD 0.01%). This variant has not been reported in the literature in individuals affected with ASXL1-related conditions. An algorithm developed to predict the effect of missense changes on protein structure and function (PolyPhen-2) suggests that this variant is likely to be disruptive.

NM_015338.6(ASXL1):c.1508C>G (p.Ser503Cys)

Gene: ASXL1 (ASXL transcriptional regulator 1; plus strand). Cytogenetic location: 20q11.21.
Variant type: single nucleotide variant.
Coding change: c.1508C>G on transcript NM_015338.6 (MANE Select); coding-DNA position 1508, C replaced by G.
Protein change: p.Ser503Cys; replaces serine 503 with cysteine.
Molecular consequence: missense variant.
Genome position (GRCh38, 1-based): chr20:32,433,706, C>G. VCF-style: chr20-32433706-C-G. GRCh37 (hg19) VCF-style: chr20-31021509-C-G.
Other names: c.1325C>G, p.Ser442Cys (NM_001363734.1); short protein forms S442C, S503C.
Identifiers: ClinVar variation 2875390 (VCV002875390.4), dbSNP rs773003506, ClinGen allele CA9808366.
Genomic context (GRCh38, chr20:32,433,706, plus strand): 5'-TTGAGTCTGTGGCTTCTCGGATCCAGGCTGAGCCAGACAACTTGGCACGTGCCTCTGCAT[C>G]TCCAGACAGAATTCCTAGCCTGCCTCAGGAAACTGTGGATCAGGAACCCAAGGATCAGAA-3'
Protein context (NP_056153.2, residues 493-513): EPDNLARASA[Ser503Cys]PDRIPSLPQE